The following is an entry in ClinVar:

ClinVar aggregate classification (germline): Pathogenic (1 of 4 stars; one submission).

Conditions:
Alstrom syndrome (ALMS). Identifiers: Orphanet 64, MedGen C0268425, MONDO:0008763, OMIM 203800.

Submission:

Labcorp Genetics (formerly Invitae), Labcorp
Classification: Pathogenic for Alstrom syndrome. Last evaluated: 2024-10-26. Review status: criteria provided, single submitter. Criteria: Invitae Variant Classification Sherloc (09022015). Collection method: clinical testing. Allele origin: germline.
Comment: This sequence change creates a premature translational stop signal (p.Val3627Trpfs*35) in the ALMS1 gene. It is expected to result in an absent or disrupted protein product. Loss-of-function variants in ALMS1 are known to be pathogenic (PMID: 17594715). This variant is not present in population databases (gnomAD no frequency). This variant has not been reported in the literature in individuals affected with ALMS1-related conditions. For these reasons, this variant has been classified as Pathogenic.

Literature cited by the submitters: PubMed 17594715.

NM_001378454.1(ALMS1):c.10876del (p.Val3626fs)

Gene: ALMS1 (ALMS1 centrosome and basal body associated protein; plus strand). Cytogenetic location: 2p13.1.
Variant type: Deletion.
Coding change: c.10876del on transcript NM_001378454.1 (MANE Select); coding-DNA position 10876, one base deleted (G; older notation c.10876delG).
Protein change: p.Val3626fs; shifts the reading frame from valine 3626.
Molecular consequence: frameshift variant.
Genome position (GRCh38, 1-based): chr2:73,572,753, G deleted; the last of 2 consecutive G bases (chr2:73,572,752-73,572,753); deleting either gives the same sequence. VCF-style (leftmost placement, unchanged base first): chr2-73572751-TG-T. GRCh37 (hg19) VCF-style: chr2-73799878-TG-T.
Other names: c.10879del, p.Val3627fs (NM_015120.4); short protein forms V3627fs, V3626fs.
Identifiers: ClinVar variation 2850870 (VCV002850870.3), dbSNP rs2466445112, ClinGen allele CA2739271097.